The following is an entry in ClinVar:

ClinVar aggregate classification (germline): Uncertain significance (1 of 4 stars; one submission).

Allele frequency attached by ClinVar (database versions not stated): gnomAD 0.00001; gnomAD exomes 0.00001; TOPMed 0.00003; ESP Exome Variant Server 0.00008.
gnomAD v4.1: 16 of 1,612,610 alleles (0.00099%); highest among the groups gnomAD compares: African/African-American, 0.004%; no homozygotes.

Submission:

GeneDx
Classification: Uncertain significance. Last evaluated: 2022-11-17. Review status: criteria provided, single submitter. Criteria: GeneDx Variant Classification Process June 2021. Collection method: clinical testing. Allele origin: germline. Affected: yes.
Comment: In silico analysis supports that this missense variant does not alter protein structure/function; Has not been previously published as pathogenic or benign to our knowledge

NM_001519.4(BRF1):c.1793C>T (p.Thr598Met)

Gene: BRF1 (BRF1 general transcription factor IIIB subunit; minus strand). Cytogenetic location: 14q32.33.
Variant type: single nucleotide variant.
Coding change: c.1793C>T on transcript NM_001519.4 (MANE Select); coding-DNA position 1793, C replaced by T.
Protein change: p.Thr598Met; replaces threonine 598 with methionine.
Molecular consequence: missense variant.
Genome position (GRCh38, 1-based): chr14:105,212,144, G>A on the plus strand (C>T on the coding strand, the complement: BRF1 is on the minus strand). VCF-style: chr14-105212144-G-A. GRCh37 (hg19) VCF-style: chr14-105678481-G-A.
Other names: c.1514C>T, p.Thr505Met (NM_001242786.2); c.1448C>T, p.Thr483Met (NM_001242787.2); c.1712C>T, p.Thr571Met (NM_001242788.2); c.1079C>T, p.Thr360Met (NM_001242789.2); c.1181C>T, p.Thr394Met (NM_145685.3); short protein forms T360M, T394M, T483M, T505M, T571M, T598M.
Identifiers: ClinVar variation 2502711 (VCV002502711.1), dbSNP rs144088839, ClinGen allele CA266547482.